The following is an entry in ClinVar:

ClinVar aggregate classification (germline): Likely pathogenic (1 of 4 stars; one submission).

Conditions:
Sjögren-Larsson syndrome (SLS). Also called: FALDH DEFICIENCY; FATTY ALCOHOL:NAD+ OXIDOREDUCTASE DEFICIENCY; FATTY ALDEHYDE DEHYDROGENASE DEFICIENCY; ICHTHYOSIS, SPASTIC NEUROLOGIC DISORDER, AND OLIGOPHRENIA. Identifiers: Orphanet 816, MedGen C0037231, MONDO:0010031, OMIM 270200.

Submission:

Neuberg Centre For Genomic Medicine, NCGM
Classification: Likely pathogenic for Sjögren-Larsson syndrome. Review status: criteria provided, single submitter. Criteria: ACMG Guidelines, 2015. Collection method: clinical testing. Allele origin: germline. Affected: yes.
Comment: This variant causes a frameshift starting with codon Leucine 455, changes this amino acid to Serine residue, and creates a premature Stop codon at position 52 of the new reading frame, denoted p.Leu455SerfsTer52. The variant has not been reported previously in affected individuals. The p.Leu455SerfsTer52 variant is novel (not in any individuals) in gnomAD Exomes and 1000 Genomes. Loss of function variants have been previously reported to be disease causing. Hence the above is classified as Likely Pathogenic.

NM_000382.3(ALDH3A2):c.1362dup (p.Leu455fs)

Gene: ALDH3A2 (aldehyde dehydrogenase 3 family member A2; plus strand). Cytogenetic location: 17p11.2.
Variant type: Duplication.
Coding change: c.1362dup on transcript NM_000382.3 (MANE Select); coding-DNA position 1362, one base duplicated (T; older notation c.1362dupT).
Protein change: p.Leu455fs; shifts the reading frame from leucine 455.
Molecular consequence: frameshift variant. On other transcripts: intron variant (1).
Genome position (GRCh38, 1-based): chr17:19,671,875, T duplicated; the last of 6 consecutive T bases (chr17:19,671,870-19,671,875); duplicating any one gives the same sequence. VCF-style (leftmost placement, unchanged base first): chr17-19671869-A-AT. GRCh37 (hg19) VCF-style: chr17-19575182-A-AT.
Other names: c.1362dup, p.Leu455fs (NM_001031806.2, NM_001369136.1, NM_001369137.2 and 2 more transcripts); c.783dup, p.Leu262fs (NM_001369148.2); c.1208-3683dup (NM_001369146.2); short protein forms L262fs, L455fs.
Identifiers: ClinVar variation 1878545 (VCV001878545.1), dbSNP rs2544405849, ClinGen allele CA2580092706.